The following is an entry in ClinVar:

ClinVar aggregate classification (germline): Uncertain significance (1 of 4 stars; one submission).

Submission:

Dasa
Classification: Uncertain significance. Last evaluated: 2026-03-02. Review status: criteria provided, single submitter. Criteria: DASA Assertion Criteria. Collection method: clinical testing. Allele origin: germline.
Comment: NM_018896.5(CACNA1G):c.2606G>A (p.Cys869Tyr) is a missense variant that results in the substitution of cysteine with tyrosine. This variant is rare in population databases. Computational prediction algorithms are consistent with a deleterious effect. The currently available literature and clinical evidence are not sufficient to establish a definitive association between this variant and the reported condition. Therefore, this variant is classified as a variant of uncertain significance.

NM_018896.5(CACNA1G):c.2606G>A (p.Cys869Tyr)

Gene: CACNA1G (calcium voltage-gated channel subunit alpha1 G; plus strand). Cytogenetic location: 17q21.33.
Variant type: single nucleotide variant.
Coding change: c.2606G>A on transcript NM_018896.5 (MANE Select); coding-DNA position 2606, G replaced by A.
Protein change: p.Cys869Tyr; replaces cysteine 869 with tyrosine.
Molecular consequence: missense variant. On other transcripts: non-coding transcript variant (5).
Genome position (GRCh38, 1-based): chr17:50,591,587, G>A. VCF-style: chr17-50591587-G-A. GRCh37 (hg19) VCF-style: chr17-48668948-G-A.
Other names: c.2606G>A, p.Cys869Tyr (NM_001256324.2, NM_001256325.2, NM_001256326.2 and 24 more transcripts); short protein forms C869Y.
Identifiers: ClinVar variation 4883464 (VCV004883464.2).
Genomic context (GRCh38, chr17:50,591,587, plus strand): 5'-CGGCGCTGCAGCGGCAGCTGGTGGTGCTCATGAAGACCATGGACAACGTGGCCACCTTCT[G>A]CATGCTGCTTATGCTCTTCATCTTCATCTTCAGGTGAGGGCGGCATGGCACCTTGCCGGC-3'
Protein context (NP_061496.2, residues 859-879): MKTMDNVATF[Cys869Tyr]MLLMLFIFIF